The following is an entry in ClinVar:

NM_001148.6(ANK2):c.6239C>G (p.Ala2080Gly)

Genes: ANK2 (ankyrin 2; plus strand), LOC126807136 (MED14-independent group 3 enhancer GRCh37_chr4:114274931-114276130; plus strand). Cytogenetic location: 4q26.
Variant type: single nucleotide variant.
Coding change: c.6239C>G on transcript NM_001148.6 (MANE Select); coding-DNA position 6239, C replaced by G.
Protein change: p.Ala2080Gly; replaces alanine 2080 with glycine.
Molecular consequence: missense variant. On other transcripts: intron variant (68).
Genome position (GRCh38, 1-based): chr4:113,354,857, C>G. VCF-style: chr4-113354857-C-G. GRCh37 (hg19) VCF-style: chr4-114276013-C-G.
Other names: c.6005C>G, p.Ala2002Gly (NM_001386142.1); c.2639C>G, p.Ala880Gly (NM_001386166.1); c.6380C>G, p.Ala2127Gly (NM_001386174.1); c.6356C>G, p.Ala2119Gly (NM_001386175.1); c.4411+4608C>G (NM_001386186.2, NM_001386148.2); c.4213+4608C>G (NM_001354269.3); c.4291+4608C>G (NM_001386187.2); c.4252+4608C>G (NM_001386147.1); and 35 more; short protein forms A2127G, A2080G, A2002G, A2119G, A880G.
Identifiers: ClinVar variation 2585791 (VCV002585791.2), dbSNP rs746116809, ClinGen allele CA3051389.

ClinVar aggregate classification (germline): Uncertain significance (1 of 4 stars; one submission).

Conditions:
Cardiovascular phenotype. Identifiers: MedGen CN230736.

Allele frequency attached by ClinVar (database versions not stated): TOPMed below 0.00001; gnomAD exomes 0.00001; ExAC 0.00002.
gnomAD v4.1: 16 of 1,614,052 alleles (0.00099%); highest among the groups gnomAD compares: South Asian, 0.018%; no homozygotes.

Submission:

Ambry Genetics
Classification: Uncertain significance for Cardiovascular phenotype. Last evaluated: 2023-06-22. Review status: criteria provided, single submitter. Criteria: Ambry Variant Classification Scheme 2023. Collection method: clinical testing. Allele origin: germline.
Comment: The p.A2080G variant (also known as c.6239C>G), located in coding exon 38 of the ANK2 gene, results from a C to G substitution at nucleotide position 6239. The alanine at codon 2080 is replaced by glycine, an amino acid with similar properties. This amino acid position is conserved. In addition, this alteration is predicted to be tolerated by in silico analysis. Since supporting evidence is limited at this time, the clinical significance of this alteration remains unclear.